The following is an entry in ClinVar:

NM_005751.5(AKAP9):c.3580G>A (p.Ala1194Thr)

Gene: AKAP9 (A-kinase anchoring protein 9; plus strand). Cytogenetic location: 7q21.2.
Variant type: single nucleotide variant.
Coding change: c.3580G>A on transcript NM_005751.5 (MANE Select); coding-DNA position 3580, G replaced by A.
Protein change: p.Ala1194Thr; replaces alanine 1194 with threonine.
Molecular consequence: missense variant.
Genome position (GRCh38, 1-based): chr7:92,014,296, G>A. VCF-style: chr7-92014296-G-A. GRCh37 (hg19) VCF-style: chr7-91643610-G-A.
Other names: c.3580G>A, p.Ala1194Thr (NM_147185.3); short protein forms A1194T.
Identifiers: ClinVar variation 180262 (VCV000180262.61), dbSNP rs139965373, ClinGen allele CA236864.
Genomic context (GRCh38, chr7:92,014,296, plus strand): 5'-TCTGTTCTATTAGGTGATGAAGGAAAGCCTTTACATCTGCTCATTGGAAAACTTCAAAAG[G>A]CAGTGTCTGAAGAATGTTCTTATTTTTTACAGGTAAAATGTTTAAAAGTACTTTTATGGC-3'
Protein context (NP_005742.4, residues 1184-1204): LHLLIGKLQK[Ala1194Thr]VSEECSYFLQ

ClinVar aggregate classification (germline): Conflicting classifications of pathogenicity. Review status: criteria provided, conflicting classifications (1 of 4 stars). 10 submissions from 10 submitters: Uncertain significance (2); Benign (2); Likely benign (4). 2 of the submissions do not count toward it. Last evaluated 2026-07-01.

Conditions:
AKAP9-related disorder. Also called: AKAP9-related condition.
Cardiovascular phenotype. Identifiers: MedGen CN230736.
Long QT syndrome (LQTS). Identifiers: MedGen C0023976, MeSH D008133, MONDO:0002442. Disease mechanism: loss of function. Inheritance: Various modes of inheritance.
Long QT syndrome 11 (LQT11). Identifiers: Orphanet 101016, Orphanet 768, MedGen C2678483, MONDO:0012738, OMIM 611820.

Allele frequency attached by ClinVar (database versions not stated): 1000 Genomes Project 30x 0.00031; gnomAD 0.00035 and 0.00036; gnomAD exomes 0.00036 and 0.00061; 1000 Genomes Project 0.00040; ExAC 0.00049; TOPMed 0.00057; ESP Exome Variant Server 0.00062.
gnomAD v4.1: 621 of 1,613,196 alleles (0.038%); highest among the groups gnomAD compares: Middle Eastern, 0.15%; 2 homozygotes.

Submissions (10):

CeGaT Center for Human Genetics Tuebingen
Classification: Benign. Last evaluated: 2026-07-01. Review status: criteria provided, single submitter. Criteria: CeGaT Center For Human Genetics Tuebingen Variant Classification Criteria Version 2. Collection method: clinical testing. Allele origin: germline. Affected: yes. Observed: 3 variant alleles.
Comment: AKAP9: BP4, BS1, BS2

Labcorp Genetics (formerly Invitae), Labcorp
Classification: Benign for Long QT syndrome. Last evaluated: 2026-02-04. Review status: criteria provided, single submitter. Criteria: Invitae Variant Classification Sherloc (09022015). Collection method: clinical testing. Allele origin: germline.

Blueprint Genetics
Classification: Likely benign. Last evaluated: 2024-10-17. Review status: criteria provided, single submitter. Criteria: ACMG Guidelines, 2015. Collection method: clinical testing. Allele origin: germline.

Women's Health and Genetics/Laboratory Corporation of America, LabCorp
Classification: Likely benign. Last evaluated: 2019-11-18. Review status: criteria provided, single submitter. Criteria: LabCorp Variant Classification Summary - May 2015. Collection method: clinical testing. Allele origin: germline.
Comment: Variant summary: AKAP9 c.3580G>A (p.Ala1194Thr) results in a non-conservative amino acid change in the encoded protein sequence. Three of five in-silico tools predict a damaging effect of the variant on protein function. The variant allele was found at a frequency of 0.00061 in 251174 control chromosomes, predominantly at a frequency of 0.00095 within the Latino subpopulation in the gnomAD database. The observed variant frequency within Latino control individuals in the gnomAD database is approximately 95 fold of the estimated maximal expected allele frequency for a pathogenic variant in AKAP9 causing Arrhythmia phenotype (1e-05), strongly suggesting that the variant is a benign polymorphism found primarily in populations of Latino origin. c.3580G>A has been reported in the literature in individuals affected with Sudden infant death syndrome, Hypertrophic Cardiomyopathy and prostate cancer (Neubauer_2017, Forleo_2017, Belic_2018). These reports do not provide unequivocal conclusions about association of the variant with Arrhythmia. Additionally, co-occurrences with other pathogenic variants have been reported (MYBPC3 c.506-2A>C; BRCA2 c.4091_4092insAA, p.I1364fs) (Forleo_2017, Belic_2018), providing supporting evidence for a benign role. To our knowledge, no experimental evidence demonstrating an impact on protein function has been reported. Six ClinVar submitters (evaluation after 2014) cite the variant as benign (1x) and uncertain significance (5x). Based on the evidence outlined above, the variant was classified as likely benign.

Ambry Genetics
Classification: Likely benign for Cardiovascular phenotype. Last evaluated: 2019-02-25. Review status: criteria provided, single submitter. Criteria: Ambry Variant Classification Scheme 2023. Collection method: clinical testing. Allele origin: germline.

ARUP Laboratories, Molecular Genetics and Genomics, ARUP Laboratories
Classification: Uncertain significance. Last evaluated: 2018-03-25. Review status: criteria provided, single submitter. Criteria: ARUP Molecular Germline Variant Investigation Process. Collection method: clinical testing. Allele origin: germline.
Comment: The AKAP9 c.3580G>A; p.Ala1194Thr variant (rs139965373, ClinVar variant ID 180262) has been detected in large whole-exome datasets from a cohort of SIDS patients (Neubauer 2017) and an unselected population (Ng 2013). This variant is listed in the genome Aggregation Database (gnomAD) with an overall population frequency of 0.06% (identified on 159 out of 276,956 chromosomes, including one homozygote). The alanine at position 1194 is highly conserved, considering 11 species, and computational analyses of the effects of the p.Ala1194Thr variant on protein structure and function predict a deleterious effect (SIFT: damaging, PolyPhen-2: possibly damaging). Based on the available information, the clinical significance of the p.Ala1194Thr variant cannot be determined with certainty.

Stanford Center for Inherited Cardiovascular Disease, Stanford University
Classification: Uncertain significance. Last evaluated: 2016-05-17. Review status: criteria provided, single submitter. Criteria: ACMG Guidelines, 2015. Collection method: provider interpretation. Allele origin: germline.

Biesecker Lab/Clinical Genomics Section, National Institutes of Health
Classification: Likely benign. Last evaluated: 2013-06-24. Review status: criteria provided, single submitter. Criteria: Ng et al. (Circ Cardiovasc Genet. 2013). Collection method: research. Allele origin: unknown. Observed: 2 variant alleles. Study: ClinSeq.
Comment: The study set was not selected for affection status in relation to any cancer. Pathogenicity categories were based on literature curation. See Pubmed ID:23861362 for details.

Medical sequencing

PreventionGenetics, part of Exact Sciences
Classification: Likely benign for AKAP9-related condition. Last evaluated: 2022-11-05. Review status: no assertion criteria provided. Collection method: clinical testing. Allele origin: germline. Not counted in ClinVar's aggregate classification.
Comment: This variant is classified as likely benign based on ACMG/AMP sequence variant interpretation guidelines (Richards et al. 2015 PMID: 25741868, with internal and published modifications).

Division of Human Genetics, Children's Hospital of Philadelphia
Classification: Uncertain significance for Long QT syndrome 11. Last evaluated: 2015-09-30. Review status: no assertion criteria provided. Collection method: research. Allele origin: paternal. Affected: yes. Study: CSER-PediSeq. Not counted in ClinVar's aggregate classification.

Literature cited by the submitters: PubMed 28074886 (cited by Women's Health and Genetics/Laboratory Corporation of America, LabCorp and Ambry Genetics); PubMed 28750076 (cited by Women's Health and Genetics/Laboratory Corporation of America, LabCorp); PubMed 29574703 (cited by Women's Health and Genetics/Laboratory Corporation of America, LabCorp); PubMed 23861362 (cited by Ambry Genetics).